The following is an entry in ClinVar:

NM_182961.4(SYNE1):c.6014G>A (p.Arg2005Gln)

Gene: SYNE1 (spectrin repeat containing nuclear envelope protein 1; minus strand). Cytogenetic location: 6q25.2.
Variant type: single nucleotide variant.
Coding change: c.6014G>A on transcript NM_182961.4 (MANE Select); coding-DNA position 6014, G replaced by A.
Protein change: p.Arg2005Gln; replaces arginine 2005 with glutamine.
Molecular consequence: missense variant.
Genome position (GRCh38, 1-based): chr6:152,416,423, C>T on the plus strand (G>A on the coding strand, the complement: SYNE1 is on the minus strand). VCF-style: chr6-152416423-C-T. GRCh37 (hg19) VCF-style: chr6-152737558-C-T.
Other names: c.6035G>A, p.Arg2012Gln (NM_033071.5); short protein forms R2012Q, R2005Q.
Identifiers: ClinVar variation 2042571 (VCV002042571.7), dbSNP rs2098156037, ClinGen allele CA366131378.

ClinVar aggregate classification (germline): Conflicting classifications of pathogenicity. Review status: criteria provided, conflicting classifications (1 of 4 stars). 3 submissions from 3 submitters: Uncertain significance (2); Likely benign (1). Last evaluated 2026-04-01.

Conditions:
Inborn genetic diseases. Identifiers: MedGen C0950123, MeSH D030342.
Emery-Dreifuss muscular dystrophy 4, autosomal dominant (EDMD4). Also called: EMERY-DREIFUSS MUSCULAR DYSTROPHY 4 WITH VARIABLE FEATURES. Identifiers: Orphanet 261, MedGen C2751807, MONDO:0013071, OMIM 612998.
Autosomal recessive ataxia, Beauce type. Also called: SYNE1 Deficiency; Spinocerebellar ataxia, autosomal recessive 8; ATAXIA, RECESSIVE, OF BEAUCE; SYNE1-Related Autosomal Recessive Cerebellar Ataxia. Identifiers: Orphanet 88644, MedGen C1853116, MONDO:0012549, OMIM 610743.

Allele frequency attached by ClinVar (database versions not stated): TOPMed below 0.00001; gnomAD exomes 0.00001.
gnomAD v4.1: 5 of 1,614,128 alleles (0.00031%); highest among the groups gnomAD compares: Non-Finnish European, 0.00042%; no homozygotes.

Submissions (3):

CeGaT Center for Human Genetics Tuebingen
Classification: Uncertain significance. Last evaluated: 2026-04-01. Review status: criteria provided, single submitter. Criteria: CeGaT Center For Human Genetics Tuebingen Variant Classification Criteria Version 2. Collection method: clinical testing. Allele origin: germline. Affected: yes. Observed: 1 variant allele.
Comment: SYNE1: PM2, BP4

Ambry Genetics
Classification: Likely benign for Inborn genetic diseases. Last evaluated: 2024-06-11. Review status: criteria provided, single submitter. Criteria: Ambry Variant Classification Scheme 2023. Collection method: clinical testing. Allele origin: germline.

Labcorp Genetics (formerly Invitae), Labcorp
Classification: Uncertain significance for Emery-Dreifuss muscular dystrophy 4, autosomal dominant; Autosomal recessive ataxia, Beauce type. Last evaluated: 2022-03-14. Review status: criteria provided, single submitter. Criteria: Invitae Variant Classification Sherloc (09022015). Collection method: clinical testing. Allele origin: germline.
Comment: Algorithms developed to predict the effect of missense changes on protein structure and function output the following: SIFT: "Tolerated"; PolyPhen-2: "Benign"; Align-GVGD: "Class C0". The glutamine amino acid residue is found in multiple mammalian species, which suggests that this missense change does not adversely affect protein function. In summary, the available evidence is currently insufficient to determine the role of this variant in disease. Therefore, it has been classified as a Variant of Uncertain Significance. This variant has not been reported in the literature in individuals affected with SYNE1-related conditions. This variant is not present in population databases (gnomAD no frequency). This sequence change replaces arginine, which is basic and polar, with glutamine, which is neutral and polar, at codon 2012 of the SYNE1 protein (p.Arg2012Gln).

Literature cited by the submitters: PubMed 36413997 (cited by Ambry Genetics).